The following is an entry in ClinVar:

ClinVar aggregate classification (germline): Benign/Likely benign. Review status: criteria provided, multiple submitters, no conflicts (2 of 4 stars). 8 submissions from 7 submitters: Benign (6); Likely benign (2). Last evaluated 2026-02-03.

Conditions:
Autosomal dominant nonsyndromic hearing loss 10. Identifiers: Orphanet 90635, MedGen C1832476, MONDO:0011031, OMIM 601316.
Dilated cardiomyopathy 1J (CMD1J). Also called: CARDIOMYOPATHY, DILATED, WITH SENSORINEURAL HEARING LOSS, AUTOSOMAL DOMINANT. Identifiers: Orphanet 217622, MedGen C1854368, MONDO:0011541, OMIM 605362.

Allele frequency attached by ClinVar (database versions not stated): gnomAD 0.00597; ESP Exome Variant Server 0.00707; 1000 Genomes Project 30x 0.00718; TOPMed 0.00798; 1000 Genomes Project 0.00579.
gnomAD v4.1: 2,090 of 1,613,746 alleles (0.13%); highest among the groups gnomAD compares: African/African-American, 2.3%; 25 homozygotes.

Submissions (8):

Labcorp Genetics (formerly Invitae), Labcorp
Classification: Benign for Dilated cardiomyopathy 1J. Last evaluated: 2026-02-03. Review status: criteria provided, single submitter. Criteria: Invitae Variant Classification Sherloc (09022015). Collection method: clinical testing. Allele origin: germline.

Women's Health and Genetics/Laboratory Corporation of America, LabCorp
Classification: Benign. Last evaluated: 2020-11-09. Review status: criteria provided, single submitter. Criteria: LabCorp Variant Classification Summary - May 2015. Collection method: clinical testing. Allele origin: germline.

ARUP Laboratories, Molecular Genetics and Genomics, ARUP Laboratories
Classification: Benign. Last evaluated: 2020-04-10. Review status: criteria provided, single submitter. Criteria: ARUP Molecular Germline Variant Investigation Process. Collection method: clinical testing. Allele origin: germline.

GeneDx
Classification: Benign. Last evaluated: 2018-06-29. Review status: criteria provided, single submitter. Criteria: GeneDx Variant Classification Process June 2021. Collection method: clinical testing. Allele origin: germline. Affected: yes.

Illumina Laboratory Services, Illumina
Classification: Likely benign for Dilated cardiomyopathy 1J. Last evaluated: 2017-05-09. Review status: criteria provided, single submitter. Criteria: ICSL Variant Classification Criteria 13 December 2019. Collection method: clinical testing. Allele origin: germline.
Comment: This variant was observed as part of a predisposition screen in an ostensibly healthy population. A literature search was performed for the gene, cDNA change, and amino acid change (where applicable). No publications were found based on this search. Allele frequency data from public databases allowed determination this variant is unlikely to cause disease. Therefore, this variant is classified as likely benign.

Illumina Laboratory Services, Illumina
Classification: Benign for Autosomal dominant nonsyndromic hearing loss 10. Last evaluated: 2017-05-09. Review status: criteria provided, single submitter. Criteria: ICSL Variant Classification Criteria 13 December 2019. Collection method: clinical testing. Allele origin: germline.
Comment: This variant was observed as part of a predisposition screen in an ostensibly healthy population. A literature search was performed for the gene, cDNA change, and amino acid change (where applicable). No publications were found based on this search. Allele frequency data from public databases was too high to be consistent with this variant causing disease. Therefore, this variant is classified as benign.

Laboratory for Molecular Medicine, Mass General Brigham Personalized Medicine
Classification: Benign. Last evaluated: 2012-05-07. Review status: criteria provided, single submitter. Criteria: LMM Criteria. Collection method: clinical testing. Allele origin: germline. Observed: 12 variant alleles.
Comment: "Leu35Leu in Exon 04 of EYA4: This variant is not expected to have clinical sign ificance because it does not alter an amino acid residue, is not located within the splice consensus sequence, and has been identified in 2.1% (80/3738) of Afri can American chromosomes from a broad population by the NHLBI Exome Sequencing P roject (dbSNP rs35562371)."

Breakthrough Genomics
Classification: Likely benign. Review status: criteria provided, single submitter. Criteria: ACMG Guidelines, 2015. Collection method: not provided. Allele origin: germline. Inheritance: Autosomal dominant inheritance. Affected: yes.

NM_004100.5(EYA4):c.103C>T (p.Leu35=)

Gene: EYA4 (EYA transcriptional coactivator and phosphatase 4; plus strand). Cytogenetic location: 6q23.2.
Variant type: single nucleotide variant.
Coding change: c.103C>T on transcript NM_004100.5 (MANE Select); coding-DNA position 103, C replaced by T.
Protein change: p.Leu35=; no amino-acid change (leucine 35 retained).
Molecular consequence: synonymous variant.
Genome position (GRCh38, 1-based): chr6:133,446,649, C>T. VCF-style: chr6-133446649-C-T. GRCh37 (hg19) VCF-style: chr6-133767787-C-T.
Other names: c.103C>T, p.Leu35= (NM_001301012.2, NM_001301013.2, NM_001370458.1 and 3 more transcripts).
Identifiers: ClinVar variation 44769 (VCV000044769.66), dbSNP rs35562371, ClinGen allele CA135000.
Genomic context (GRCh38, chr6:133,446,649, plus strand): 5'-CTGCAATTTCAACTTTTCTCTGCTGCTTACTGCTCTACCAGGTCTATGGAAATGCAGGAC[C>T]TAGCAAGTCCTCATACTCTTGTTGGAGGTGGTGATACTCCAGGTAGCTCCAAACTGGAAA-3'
Protein context (NP_004091.3, residues 25-45): QNSRSMEMQD[Leu35=]ASPHTLVGGG